The following is an entry in ClinVar:

NM_000179.3(MSH6):c.119C>T (p.Ala40Val)

Gene: MSH6 (mutS homolog 6; plus strand). Cytogenetic location: 2p16.3.
Variant type: single nucleotide variant.
Coding change: c.119C>T on transcript NM_000179.3 (MANE Select); coding-DNA position 119, C replaced by T.
Protein change: p.Ala40Val; replaces alanine 40 with valine.
Molecular consequence: missense variant. On other transcripts: 5 prime UTR variant (1).
Genome position (GRCh38, 1-based): chr2:47,783,352, C>T. VCF-style: chr2-47783352-C-T. GRCh37 (hg19) VCF-style: chr2-48010491-C-T.
Other names: c.119C>T, p.Ala40Val (NM_001281492.2); c.-618C>T (NM_001281493.2); short protein forms A40V.
Identifiers: ClinVar variation 1399601 (VCV001399601.13), dbSNP rs757957751, ClinGen allele CA067311.

ClinVar aggregate classification (germline): Conflicting classifications of pathogenicity. Review status: criteria provided, conflicting classifications (1 of 4 stars). 4 submissions from 4 submitters: Uncertain significance (3); Benign (1). Last evaluated 2025-03-06.

Conditions:
Hereditary nonpolyposis colorectal neoplasms. Identifiers: MedGen C0009405, MeSH D003123.
Hereditary cancer-predisposing syndrome. Also called: Hereditary Cancer Syndrome; Hereditary neoplastic syndrome; Tumor predisposition; Neoplastic Syndromes, Hereditary. Identifiers: Orphanet 140162, MedGen C0027672, MeSH D009386, MONDO:0015356.
Lynch syndrome. Identifiers: Orphanet 144, MedGen C4552100, MONDO:0005835. Disease mechanism: loss of function.

Allele frequency attached by ClinVar (database versions not stated): gnomAD exomes below 0.00001; TOPMed below 0.00001; ExAC 0.00001; gnomAD 0.00001.
gnomAD v4.1: 1 of 1,607,826 alleles (0.000062%); highest among the groups gnomAD compares: African/African-American, 0.0013%; no homozygotes.

Submissions (4):

Labcorp Genetics (formerly Invitae), Labcorp
Classification: Benign for Hereditary nonpolyposis colorectal neoplasms. Last evaluated: 2025-03-06. Review status: criteria provided, single submitter. Criteria: Invitae Variant Classification Sherloc (09022015). Collection method: clinical testing. Allele origin: germline.

Ambry Genetics
Classification: Uncertain significance for Hereditary cancer-predisposing syndrome. Last evaluated: 2024-04-07. Review status: criteria provided, single submitter. Criteria: Ambry Variant Classification Scheme 2023. Collection method: clinical testing. Allele origin: germline.
Comment: The p.A40V variant (also known as c.119C>T), located in coding exon 1 of the MSH6 gene, results from a C to T substitution at nucleotide position 119. The alanine at codon 40 is replaced by valine, an amino acid with similar properties. This amino acid position is not well conserved in available vertebrate species. In addition, the in silico prediction for this alteration is inconclusive. Since supporting evidence is limited at this time, the clinical significance of this alteration remains unclear.

All of Us Research Program, National Institutes of Health
Classification: Uncertain significance for Lynch syndrome. Last evaluated: 2023-05-04. Review status: criteria provided, single submitter. Criteria: ACMG Guidelines, 2015. Collection method: clinical testing. Allele origin: germline. Inheritance: Autosomal dominant inheritance. Observed: 1 variant allele, 1 heterozygote.
Comment: This missense variant replaces alanine with valine at codon 40 of the MSH6 protein. Computational prediction suggests that this variant may not impact protein structure and function (internally defined REVEL score threshold <= 0.5, PMID: 27666373). To our knowledge, functional studies have not been reported for this variant. This variant has not been reported in individuals affected with MSH6-related disorders in the literature. This variant has been identified in 1/229582 chromosomes in the general population by the Genome Aggregation Database (gnomAD). The available evidence is insufficient to determine the role of this variant in disease conclusively. Therefore, this variant is classified as a Variant of Uncertain Significance.

This study involves interpretation of variants in research participants for the purpose of population health screening. Participant phenotype was not available at the time of variant classification. Additional details can be found in publication PMID: 35346344, PMCID: PMC8962531

Color Diagnostics, LLC DBA Color Health
Classification: Uncertain significance for Hereditary cancer-predisposing syndrome. Last evaluated: 2023-04-20. Review status: criteria provided, single submitter. Criteria: ACMG Guidelines, 2015. Collection method: clinical testing. Allele origin: germline.
Comment: This missense variant replaces alanine with valine at codon 40 of the MSH6 protein. Computational prediction suggests that this variant may not impact protein structure and function (internally defined REVEL score threshold <= 0.5, PMID: 27666373). To our knowledge, functional studies have not been reported for this variant. This variant has not been reported in individuals affected with MSH6-related disorders in the literature. This variant has been identified in 1/229582 chromosomes in the general population by the Genome Aggregation Database (gnomAD). The available evidence is insufficient to determine the role of this variant in disease conclusively. Therefore, this variant is classified as a Variant of Uncertain Significance.